The following is an entry in ClinVar:

ClinVar aggregate classification (germline): Likely benign. Review status: criteria provided, multiple submitters, no conflicts (2 of 4 stars). 2 submissions from 2 submitters: Likely benign (2). Last evaluated 2025-12-16.

Conditions:
Ataxia-telangiectasia syndrome (AT). Also called: LOUIS-BAR SYNDROME; Cerebello-oculocutaneous telangiectasia; Immunodeficiency with ataxia telangiectasia; Ataxia telangiectasia (A-T); Ataxia-telangiectasia, complementation group D; AT, COMPLEMENTATION GROUP C. Identifiers: Orphanet 100, MedGen C0004135, MONDO:0008840, OMIM 208900.
Familial cancer of breast. Also called: BREAST CANCER, FAMILIAL; Hereditary breast cancer; hereditary breast carcinoma. Identifiers: Orphanet 227535, MedGen C0346153, MONDO:0016419, OMIM 114480. Disease mechanism: loss of function.

Allele frequency attached by ClinVar (database versions not stated): gnomAD exomes below 0.00001; ExAC 0.00001; gnomAD 0.00001.
gnomAD v4.1: 1 of 1,608,372 alleles (0.000062%); highest among the groups gnomAD compares: Non-Finnish European, 0.000085%; no homozygotes.

Submissions (2):

Labcorp Genetics (formerly Invitae), Labcorp
Classification: Likely benign for Ataxia-telangiectasia syndrome. Last evaluated: 2025-12-16. Review status: criteria provided, single submitter. Criteria: Invitae Variant Classification Sherloc (09022015). Collection method: clinical testing. Allele origin: germline.

Myriad Genetics, Inc.
Classification: Likely benign for Familial cancer of breast. Last evaluated: 2024-06-13. Review status: criteria provided, single submitter. Criteria: Myriad Autosomal Dominant, Autosomal Recessive and X-Linked Classification Criteria (2023). Collection method: clinical testing. Allele origin: unknown.
Comment: This variant is considered likely benign. This variant is intronic and is not expected to impact mRNA splicing.

NM_000051.4(ATM):c.7308-20C>T

Genes: ATM (ATM serine/threonine kinase; plus strand), C11orf65 (chromosome 11 open reading frame 65; minus strand). Cytogenetic location: 11q22.3.
Variant type: single nucleotide variant.
Coding change: c.7308-20C>T on transcript NM_000051.4 (MANE Select); 20 bases into the intron before coding-DNA position 7308, C replaced by T.
Molecular consequence: intron variant.
Genome position (GRCh38, 1-based): chr11:108,330,194, C>T. VCF-style: chr11-108330194-C-T. GRCh37 (hg19) VCF-style: chr11-108200921-C-T.
Other names: c.7308-20C>T (NM_001351834.2); c.641-21123G>A (NM_001330368.2); c.*38+5026G>A (NM_001351110.2).
Identifiers: ClinVar variation 1585525 (VCV001585525.9), dbSNP rs778603753, ClinGen allele CA6266093.
Genomic context (GRCh38, chr11:108,330,194, plus strand): 5'-AATGTTGTATATCATGTGTGATTTTGTAGTTCTGTTAAAGTTCATGGCTTTTGTGTTTTA[C>T]CTTAATTATTCTATGCAAGATACACAGTAAAGGTTCAGCGAGAGCTGGAGTTGGATGAAT-3'